The following is an entry in ClinVar:

ClinVar aggregate classification (germline): Pathogenic (1 of 4 stars; one submission).

Allele frequency attached by ClinVar (database versions not stated): gnomAD exomes below 0.00001.
gnomAD v4.1: 1 of 1,605,508 alleles (0.000062%); highest among the groups gnomAD compares: Non-Finnish European, 0.000085%; no homozygotes.

Submission:

GeneDx
Classification: Pathogenic. Last evaluated: 2015-09-24. Review status: criteria provided, single submitter. Criteria: GeneDx Variant Classification (06012015). Collection method: clinical testing. Allele origin: germline. Affected: yes.
Comment: The E1304X pathogenic variant in the FREM1 gene has not been reported previously as a pathogenic variant nor as a benign variant, to our knowledge. This variant is predicted to cause loss of normal protein function either through protein truncation or nonsense-mediated mRNA decay. The E1304X variant was not observed in approximately 6500 individuals of European and African American ancestry in the NHLBI Exome Sequencing Project, indicating it is not a common benign variant in these populations. We interpret E1304X as a pathogenic variant.

NM_001379081.2(FREM1):c.3910G>T (p.Glu1304Ter)

Gene: FREM1 (FRAS1 related extracellular matrix 1; minus strand). Cytogenetic location: 9p22.3.
Variant type: single nucleotide variant.
Coding change: c.3910G>T on transcript NM_001379081.2 (MANE Select); coding-DNA position 3910, G replaced by T.
Protein change: p.Glu1304Ter; replaces glutamic acid 1304 with a stop codon.
Molecular consequence: nonsense. On other transcripts: non-coding transcript variant (2).
Genome position (GRCh38, 1-based): chr9:14,792,814, C>A on the plus strand (G>T on the coding strand, the complement: FREM1 is on the minus strand). VCF-style: chr9-14792814-C-A. GRCh37 (hg19) VCF-style: chr9-14792812-C-A.
Other names: c.3910G>T, p.Glu1304Ter (NM_144966.7); short protein forms E1304*.
Identifiers: ClinVar variation 430003 (VCV000430003.2), dbSNP rs1131691724, ClinGen allele CA372967049.
Genomic context (GRCh38, chr9:14,792,814, plus strand): 5'-GTTGCCCATTTTGGGGAAGCCTTTCAAATACATAGTAAATCTTCTCCCTGGGTGAGTCTT[C>A]ATCTATGGCTGAAAGAATAGCACTGGAAATAATACGAGTTTCACCCATATTCATTGCAAT-3'